The following is an entry in ClinVar:

ClinVar aggregate classification (germline): Conflicting classifications of pathogenicity. Review status: criteria provided, conflicting classifications (1 of 4 stars). 3 submissions from 3 submitters: Uncertain significance (2); Likely benign (1). Last evaluated 2026-10-08.

Conditions:
Inborn genetic diseases. Identifiers: MedGen C0950123, MeSH D030342.

Allele frequency attached by ClinVar (database versions not stated): ExAC 0.00015; gnomAD exomes 0.00003; TOPMed 0.00007; gnomAD 0.00009.

Submissions (3):

GeneDx
Classification: Uncertain significance. Last evaluated: 2026-10-08. Review status: criteria provided, single submitter. Criteria: GeneDx Variant Classification Process June 2021. Collection method: clinical testing. Allele origin: germline.
Comment: In silico analysis supports that this missense variant does not alter protein structure/function; Has not been previously published as pathogenic or benign to our knowledge

CeGaT Center for Human Genetics Tuebingen
Classification: Likely benign. Last evaluated: 2026-07-01. Review status: criteria provided, single submitter. Criteria: CeGaT Center For Human Genetics Tuebingen Variant Classification Criteria Version 2. Collection method: clinical testing. Allele origin: germline. Affected: yes. Observed: 1 variant allele.
Comment: TNR: BP4

Ambry Genetics
Classification: Uncertain significance for Inborn genetic diseases. Last evaluated: 2021-05-25. Review status: criteria provided, single submitter. Criteria: Ambry Variant Classification Scheme 2023. Collection method: clinical testing. Allele origin: germline.

NM_003285.3(TNR):c.632G>A (p.Arg211Gln)

Gene: TNR (tenascin R; minus strand). Cytogenetic location: 1q25.1.
Variant type: single nucleotide variant.
Coding change: c.632G>A on transcript NM_003285.3 (MANE Select); coding-DNA position 632, G replaced by A.
Protein change: p.Arg211Gln; replaces arginine 211 with glutamine.
Molecular consequence: missense variant. On other transcripts: 5 prime UTR variant (1).
Genome position (GRCh38, 1-based): chr1:175,403,484, C>T on the plus strand (G>A on the coding strand, the complement: TNR is on the minus strand). VCF-style: chr1-175403484-C-T. GRCh37 (hg19) VCF-style: chr1-175372620-C-T.
Other names: c.-264G>A (NM_001328635.2); short protein forms R211Q.
Identifiers: ClinVar variation 2347426 (VCV002347426.5), dbSNP rs778290581, ClinGen allele CA1256135.